The following is an entry in ClinVar:

NM_176824.3(BBS7):c.123T>C (p.Asp41=)

Gene: BBS7 (Bardet-Biedl syndrome 7; minus strand). Cytogenetic location: 4q27.
Variant type: single nucleotide variant.
Coding change: c.123T>C on transcript NM_176824.3 (MANE Select); coding-DNA position 123, T replaced by C.
Protein change: p.Asp41=; no amino-acid change (aspartic acid 41 retained).
Molecular consequence: synonymous variant.
Genome position (GRCh38, 1-based): chr4:121,863,259, A>G on the plus strand (T>C on the coding strand, the complement: BBS7 is on the minus strand). VCF-style: chr4-121863259-A-G. GRCh37 (hg19) VCF-style: chr4-122784414-A-G.
Other names: c.123T>C, p.Asp41= (NM_018190.4); c.123T>C (NM_176824.2).
Identifiers: ClinVar variation 1138973 (VCV001138973.10), dbSNP rs148011561, ClinGen allele CA3064594.

ClinVar aggregate classification (germline): Conflicting classifications of pathogenicity. Review status: criteria provided, conflicting classifications (1 of 4 stars). 3 submissions from 3 submitters: Uncertain significance (1); Likely benign (1). 1 of the submissions does not count toward it. Last evaluated 2025-09-02.

Conditions:
Bardet-Biedl syndrome (BBS). Identifiers: Orphanet 110, MedGen C0752166, MONDO:0015229.
BBS7-related disorder. Also called: BBS7-related condition.
Bardet-Biedl syndrome 7 (BBS7). Identifiers: Orphanet 110, MedGen C1859565, MONDO:0014435, OMIM 615984.

Allele frequency attached by ClinVar (database versions not stated): gnomAD exomes 0.00002 and 0.00003; ExAC 0.00004; TOPMed 0.00009; gnomAD 0.00011 and 0.00013; ESP Exome Variant Server 0.00015.
gnomAD v4.1: 25 of 1,613,670 alleles (0.0015%); highest among the groups gnomAD compares: African/African-American, 0.033%; no homozygotes.

Submissions (3):

Labcorp Genetics (formerly Invitae), Labcorp
Classification: Likely benign for Bardet-Biedl syndrome. Last evaluated: 2025-09-02. Review status: criteria provided, single submitter. Criteria: Invitae Variant Classification Sherloc (09022015). Collection method: clinical testing. Allele origin: germline.

Fulgent Genetics
Classification: Uncertain significance for Bardet-Biedl syndrome 7. Last evaluated: 2024-03-22. Review status: criteria provided, single submitter. Criteria: ACMG Guidelines, 2015. Collection method: clinical testing. Allele origin: germline.

PreventionGenetics, part of Exact Sciences
Classification: Likely benign for BBS7-related condition. Last evaluated: 2023-02-17. Review status: no assertion criteria provided. Collection method: clinical testing. Allele origin: germline. Not counted in ClinVar's aggregate classification.
Comment: This variant is classified as likely benign based on ACMG/AMP sequence variant interpretation guidelines (Richards et al. 2015 PMID: 25741868, with internal and published modifications).